The following is an entry in ClinVar:

NM_018263.6(ASXL2):c.1892T>G (p.Phe631Cys)

Gene: ASXL2 (ASXL transcriptional regulator 2; minus strand). Cytogenetic location: 2p23.3.
Variant type: single nucleotide variant.
Coding change: c.1892T>G on transcript NM_018263.6 (MANE Select); coding-DNA position 1892, T replaced by G.
Protein change: p.Phe631Cys; replaces phenylalanine 631 with cysteine.
Molecular consequence: missense variant.
Genome position (GRCh38, 1-based): chr2:25,744,445, A>C on the plus strand (T>G on the coding strand, the complement: ASXL2 is on the minus strand). VCF-style: chr2-25744445-A-C. GRCh37 (hg19) VCF-style: chr2-25967314-A-C.
Other names: c.1718T>G, p.Phe573Cys (NM_001369346.1); c.1112T>G, p.Phe371Cys (NM_001369347.1); short protein forms F371C, F573C, F631C.
Identifiers: ClinVar variation 4982496 (VCV004982496.1).
Genomic context (GRCh38, chr2:25,744,445, plus strand): 5'-CTGTTAGGACTAGTGATGGAGACTGGAAAACGAGCCCTGGGAGAGACCTGCGATGGATGA[A>C]ACGGCATGGGGGAGATTCTGGAGACCGGGATCTGAAAGAAGTAGAGGGGAAAAAAACAAC-3'
Protein context (NP_060733.4, residues 621-641): IPVSRISPMP[Phe631Cys]HPSQVSPRAR

ClinVar aggregate classification (germline): Uncertain significance (1 of 4 stars; one submission).

Conditions:
ASXL2-related disorder. Also called: ASXL2-related condition.

gnomAD v4.1: 1 of 1,610,806 alleles (0.000062%); highest among the groups gnomAD compares: East Asian, 0.0022%; no homozygotes.

Submission:

PreventionGenetics, part of Exact Sciences
Classification: Uncertain significance for ASXL2-related condition. Last evaluated: 2026-08-19. Review status: criteria provided, single submitter. Criteria: ACMG Guidelines, 2015. Collection method: clinical testing. Allele origin: germline.
Comment: The ASXL2 c.1892T>G variant is predicted to result in the amino acid substitution p.Phe631Cys. To our knowledge, this variant has not been reported in the literature or in a large population database (gnomAD), indicating this variant is rare. At this time, the clinical significance of this variant is uncertain due to the absence of conclusive functional and genetic evidence.